The following is an entry in ClinVar:

NC_000011.10:g.(?_108327645)_(108331557_?)del

Genes: ATM (ATM serine/threonine kinase; plus strand), C11orf65 (chromosome 11 open reading frame 65; minus strand). Cytogenetic location: 11q22.3.
Variant type: Deletion.
Identifiers: ClinVar variation 417414 (VCV000417414.1).

ClinVar aggregate classification (germline): Likely pathogenic (1 of 4 stars; one submission).

Conditions:
Ataxia-telangiectasia syndrome (AT). Also called: Ataxia-telangiectasia; Cerebello-oculocutaneous telangiectasia; Immunodeficiency with ataxia telangiectasia; ATAXIA-TELANGIECTASIA, COMPLEMENTATION GROUP A; ATAXIA-TELANGIECTASIA, FRESNO VARIANT; Ataxia-telangiectasia, complementation group D. Identifiers: Orphanet 100, MedGen C0004135, MONDO:0008840, OMIM 208900.

Submission:

Labcorp Genetics (formerly Invitae), Labcorp
Classification: Likely pathogenic for Ataxia-telangiectasia syndrome. Last evaluated: 2016-11-19. Review status: criteria provided, single submitter. Criteria: Invitae Variant Classification Sherloc (09022015). Collection method: clinical testing. Allele origin: germline.
Comment: This variant is a gross deletion of the genomic region encompassing exons 48-51 of the ATM gene. This leads to an in-frame deletion, preserving the integrity of the reading frame. While this particular deletion has not been reported in the literature, gross deletions and loss-of-function variants in ATM are known to be pathogenic (PMID: 25614872, 23807571). This gross deletion eliminates 217 amino acid residues from the ATM FAT domain, which is involved in scaffolding the kinase domain (PMID: 23532176, 25460276). Loss of this domain is expected to disrupt normal ATM protein functions such as cell cycle regulation, DNA damage response, and maintenance of genome stability (PMID: 18813293, 23532176), but this prediction has not been confirmed by published functional studies. In summary, this deletion is expected to disrupt ATM protein function. This evidence indicates that the variant is pathogenic, but additional data is needed to prove that conclusively. Therefore, this variant has been classified as Likely Pathogenic.